The following is an entry in ClinVar:

ClinVar aggregate classification (germline): Uncertain significance (1 of 4 stars; one submission).

Conditions:
Bardet-Biedl syndrome (BBS). Identifiers: Orphanet 110, MedGen C0752166, MONDO:0015229.

Allele frequency attached by ClinVar (database versions not stated): gnomAD exomes below 0.00001.
gnomAD v4.1: 2 of 1,614,132 alleles (0.00012%); highest among the groups gnomAD compares: Admixed American, 0.0017%; no homozygotes.

Submission:

Labcorp Genetics (formerly Invitae), Labcorp
Classification: Uncertain significance for Bardet-Biedl syndrome. Last evaluated: 2022-09-06. Review status: criteria provided, single submitter. Criteria: Invitae Variant Classification Sherloc (09022015). Collection method: clinical testing. Allele origin: germline.
Comment: In summary, the available evidence is currently insufficient to determine the role of this variant in disease. Therefore, it has been classified as a Variant of Uncertain Significance. Algorithms developed to predict the effect of missense changes on protein structure and function are either unavailable or do not agree on the potential impact of this missense change (SIFT: "Deleterious"; PolyPhen-2: "Probably Damaging"; Align-GVGD: "Class C0"). This variant has not been reported in the literature in individuals affected with TTC8-related conditions. This variant is not present in population databases (gnomAD no frequency). This sequence change replaces arginine, which is basic and polar, with glycine, which is neutral and non-polar, at codon 114 of the TTC8 protein (p.Arg114Gly).

NM_144596.4(TTC8):c.370A>G (p.Arg124Gly)

Gene: TTC8 (tetratricopeptide repeat domain 8; plus strand). Cytogenetic location: 14q31.3.
Variant type: single nucleotide variant.
Coding change: c.370A>G on transcript NM_144596.4 (MANE Select); coding-DNA position 370, A replaced by G.
Protein change: p.Arg124Gly; replaces arginine 124 with glycine.
Molecular consequence: missense variant. On other transcripts: 5 prime UTR variant (2), non-coding transcript variant (1).
Genome position (GRCh38, 1-based): chr14:88,841,077, A>G. VCF-style: chr14-88841077-A-G. GRCh37 (hg19) VCF-style: chr14-89307421-A-G.
Other names: c.340A>G, p.Arg114Gly (NM_001288781.1, NM_001366535.2, NM_001366536.2 and 2 more transcripts); c.-223A>G (NM_001288782.1); c.-318A>G (NM_001288783.1); short protein forms R124G, R114G.
Identifiers: ClinVar variation 2080166 (VCV002080166.2), dbSNP rs2094778683, ClinGen allele CA390574258.